The following is an entry in ClinVar:

ClinVar aggregate classification (germline): Uncertain significance (1 of 4 stars; one submission).

Conditions:
Hereditary cancer-predisposing syndrome. Also called: Neoplastic Syndromes, Hereditary; Tumor predisposition; Hereditary neoplastic syndrome; Hereditary Cancer Syndrome. Identifiers: Orphanet 140162, MedGen C0027672, MeSH D009386, MONDO:0015356.

Submission:

Ambry Genetics
Classification: Uncertain significance for Hereditary cancer-predisposing syndrome. Last evaluated: 2022-11-17. Review status: criteria provided, single submitter. Criteria: Ambry Variant Classification Scheme 2023. Collection method: clinical testing. Allele origin: germline.
Comment: The p.Q1301E variant (also known as c.3901C>G), located in coding exon 23 of the PTCH1 gene, results from a C to G substitution at nucleotide position 3901. The glutamine at codon 1301 is replaced by glutamic acid, an amino acid with highly similar properties. This amino acid position is conserved. In addition, this alteration is predicted to be tolerated by in silico analysis. Since supporting evidence is limited at this time, the clinical significance of this alteration remains unclear.

NM_000264.5(PTCH1):c.3901C>G (p.Gln1301Glu)

Gene: PTCH1 (patched 1; minus strand). Cytogenetic location: 9q22.32.
Variant type: single nucleotide variant.
Coding change: c.3901C>G on transcript NM_000264.5 (MANE Select); coding-DNA position 3901, C replaced by G.
Protein change: p.Gln1301Glu; replaces glutamine 1301 with glutamic acid.
Molecular consequence: missense variant. On other transcripts: non-coding transcript variant (1).
Genome position (GRCh38, 1-based): chr9:95,447,355, G>C on the plus strand (C>G on the coding strand, the complement: PTCH1 is on the minus strand). VCF-style: chr9-95447355-G-C. GRCh37 (hg19) VCF-style: chr9-98209637-G-C.
Other names: c.3448C>G, p.Gln1150Glu (NM_001083605.3, NM_001083606.3, NM_001083604.3 and 1 more transcripts); c.3703C>G, p.Gln1235Glu (NM_001083602.3); c.3898C>G, p.Gln1300Glu (NM_001083603.3); c.3745C>G, p.Gln1249Glu (NM_001354918.2); short protein forms Q1150E, Q1300E, Q1235E, Q1301E, Q1249E.
Identifiers: ClinVar variation 2452411 (VCV002452411.2), dbSNP rs2136582554, ClinGen allele CA374110696.